The following is an entry in ClinVar:

ClinVar aggregate classification (germline): Uncertain significance. Review status: criteria provided, multiple submitters, no conflicts (2 of 4 stars). 2 submissions from 2 submitters: Uncertain significance (2). Last evaluated 2025-08-31.

Conditions:
Hereditary cancer-predisposing syndrome. Also called: Tumor predisposition; Hereditary Cancer Syndrome; Hereditary neoplastic syndrome; Neoplastic Syndromes, Hereditary. Identifiers: Orphanet 140162, MedGen C0027672, MeSH D009386, MONDO:0015356.
POLD1-related polyposis and colorectal cancer syndrome (CRCS10). Also called: Colorectal cancer 10; COLORECTAL CANCER, SUSCEPTIBILITY TO, ON CHROMOSOME 19q; Colorectal cancer, susceptibility to, 10. Identifiers: Orphanet 220460, MedGen C2675481, MONDO:0012953, OMIM 612591.

Allele frequency attached by ClinVar (database versions not stated): gnomAD exomes below 0.00001.
gnomAD v4.1: 2 of 1,614,134 alleles (0.00012%); highest among the groups gnomAD compares: Middle Eastern, 0.016%; no homozygotes.

Submissions (2):

Ambry Genetics
Classification: Uncertain significance for Hereditary cancer-predisposing syndrome. Last evaluated: 2025-08-31. Review status: criteria provided, single submitter. Criteria: Ambry Variant Classification Scheme 2023. Collection method: clinical testing. Allele origin: germline.
Comment: The p.F148L variant (also known as c.444C>G), located in coding exon 3 of the POLD1 gene, results from a C to G substitution at nucleotide position 444. The phenylalanine at codon 148 is replaced by leucine, an amino acid with highly similar properties. This amino acid position is conserved. In addition, this alteration is predicted to be tolerated by in silico analysis. Based on the available evidence, the clinical significance of this variant remains unclear.

Labcorp Genetics (formerly Invitae), Labcorp
Classification: Uncertain significance for POLD1-related polyposis and colorectal cancer syndrome. Last evaluated: 2025-06-06. Review status: criteria provided, single submitter. Criteria: Invitae Variant Classification Sherloc (09022015). Collection method: clinical testing. Allele origin: germline.
Comment: This sequence change replaces phenylalanine, which is neutral and non-polar, with leucine, which is neutral and non-polar, at codon 148 of the POLD1 protein (p.Phe148Leu). This variant is not present in population databases (gnomAD no frequency). This variant has not been reported in the literature in individuals affected with POLD1-related conditions. ClinVar contains an entry for this variant (Variation ID: 1014824). Invitae Evidence Modeling of protein sequence and biophysical properties (such as structural, functional, and spatial information, amino acid conservation, physicochemical variation, residue mobility, and thermodynamic stability) indicates that this missense variant is not expected to disrupt POLD1 protein function with a negative predictive value of 80%. In summary, the available evidence is currently insufficient to determine the role of this variant in disease. Therefore, it has been classified as a Variant of Uncertain Significance.

NM_002691.4(POLD1):c.444C>G (p.Phe148Leu)

Gene: POLD1 (DNA polymerase delta 1, catalytic subunit; plus strand). Cytogenetic location: 19q13.33.
Variant type: single nucleotide variant.
Coding change: c.444C>G on transcript NM_002691.4 (MANE Select); coding-DNA position 444, C replaced by G.
Protein change: p.Phe148Leu; replaces phenylalanine 148 with leucine.
Molecular consequence: missense variant. On other transcripts: non-coding transcript variant (1).
Genome position (GRCh38, 1-based): chr19:50,401,905, C>G. VCF-style: chr19-50401905-C-G. GRCh37 (hg19) VCF-style: chr19-50905162-C-G.
Other names: c.444C>G, p.Phe148Leu (NM_001256849.1, NM_001308632.1); c.444C>G (NM_002691.2); short protein forms F148L.
Identifiers: ClinVar variation 1014824 (VCV001014824.9), dbSNP rs2038651492, ClinGen allele CA406972711.
Genomic context (GRCh38, chr19:50,401,905, plus strand): 5'-CGGGGTCACCGATGAGGGGTTCTCTGTCTGCTGCCACATCCACGGCTTCGCTCCCTACTT[C>G]TACACCCCAGCGCCCCCTGGTGAGTGGCCCCTACCCAGCCCCTCCCTGAGCCACTGGAGC-3'
Protein context (NP_002682.2, residues 138-158): CCHIHGFAPY[Phe148Leu]YTPAPPGFGP